The following is an entry in ClinVar:

NM_003051.4(SLC16A1):c.982C>G (p.Arg328Gly)

Gene: SLC16A1 (solute carrier family 16 member 1; minus strand). Cytogenetic location: 1p13.2.
Variant type: single nucleotide variant.
Coding change: c.982C>G on transcript NM_003051.4 (MANE Select); coding-DNA position 982, C replaced by G.
Protein change: p.Arg328Gly; replaces arginine 328 with glycine.
Molecular consequence: missense variant.
Genome position (GRCh38, 1-based): chr1:112,917,424, G>C on the plus strand (C>G on the coding strand, the complement: SLC16A1 is on the minus strand). VCF-style: chr1-112917424-G-C. GRCh37 (hg19) VCF-style: chr1-113460046-G-C.
Other names: c.982C>G, p.Arg328Gly (NM_001166496.2); short protein forms R328G.
Identifiers: ClinVar variation 5041530 (VCV005041530.1).

ClinVar aggregate classification (germline): Uncertain significance (1 of 4 stars; one submission).

Submission:

CeGaT Center for Human Genetics Tuebingen
Classification: Uncertain significance. Last evaluated: 2026-09-01. Review status: criteria provided, single submitter. Criteria: CeGaT Center For Human Genetics Tuebingen Variant Classification Criteria Version 2. Collection method: clinical testing. Allele origin: germline. Affected: yes. Observed: 1 variant allele.
Comment: SLC16A1: PM2